The following is an entry in ClinVar:

ClinVar aggregate classification (germline): Uncertain significance. Review status: criteria provided, single submitter (1 of 4 stars). 2 submissions from 2 submitters: Uncertain significance (1). 1 of the submissions does not count toward it. Last evaluated 2021-09-01.

Conditions:
Multiple sulfatase deficiency (MSD). Also called: Mucosulfatidosis; Multiple Sulfatase Deficiency Disease; Sulfatidosis, Juvenile, Austin Type. Identifiers: Orphanet 585, MedGen C0268263, MONDO:0010088, OMIM 272200.

Allele frequency attached by ClinVar (database versions not stated): ExAC below 0.00001.
gnomAD v4.1: 6 of 1,562,584 alleles (0.00038%); highest among the groups gnomAD compares: Admixed American, 0.0019%; no homozygotes.

Submissions (2):

Labcorp Genetics (formerly Invitae), Labcorp
Classification: Uncertain significance for Multiple sulfatase deficiency. Last evaluated: 2021-09-01. Review status: criteria provided, single submitter. Criteria: Invitae Variant Classification Sherloc (09022015). Collection method: clinical testing. Allele origin: germline.
Comment: This sequence change replaces alanine with glycine at codon 47 of the SUMF1 protein (p.Ala47Gly). The alanine residue is moderately conserved and there is a small physicochemical difference between alanine and glycine. The frequency data for this variant in the population databases is considered unreliable, as metrics indicate poor data quality at this position in the ExAC database. This variant has not been reported in the literature in individuals affected with SUMF1-related conditions. Algorithms developed to predict the effect of missense changes on protein structure and function (SIFT, PolyPhen-2, Align-GVGD) all suggest that this variant is likely to be tolerated. In summary, the available evidence is currently insufficient to determine the role of this variant in disease. Therefore, it has been classified as a Variant of Uncertain Significance.

Natera, Inc.
Classification: Uncertain significance for Multiple sulfatase deficiency. Last evaluated: 2021-05-03. Review status: no assertion criteria provided. Collection method: clinical testing. Allele origin: germline. Not counted in ClinVar's aggregate classification.

NM_182760.4(SUMF1):c.140C>G (p.Ala47Gly)

Genes: SUMF1 (sulfatase modifying factor 1; minus strand), LOC129936056 (ATAC-STARR-seq lymphoblastoid silent region 14016; plus strand). Cytogenetic location: 3p26.1.
Variant type: single nucleotide variant.
Coding change: c.140C>G on transcript NM_182760.4 (MANE Select); coding-DNA position 140, C replaced by G.
Protein change: p.Ala47Gly; replaces alanine 47 with glycine.
Molecular consequence: missense variant.
Genome position (GRCh38, 1-based): chr3:4,467,106, G>C on the plus strand (C>G on the coding strand, the complement: SUMF1 is on the minus strand). VCF-style: chr3-4467106-G-C. GRCh37 (hg19) VCF-style: chr3-4508790-G-C.
Other names: c.140C>G, p.Ala47Gly (NM_001164674.2, NM_001164675.2); short protein forms A47G.
Identifiers: ClinVar variation 649907 (VCV000649907.7), dbSNP rs779961693, ClinGen allele CA2230709.